The following is an entry in ClinVar:

NM_000074.3(CD40LG):c.431G>A (p.Gly144Glu)

Gene: CD40LG (CD40 ligand; plus strand). Cytogenetic location: Xq26.3.
Variant type: single nucleotide variant.
Coding change: c.431G>A on transcript NM_000074.3 (MANE Select); coding-DNA position 431, G replaced by A.
Protein change: p.Gly144Glu; replaces glycine 144 with glutamic acid.
Molecular consequence: missense variant.
Genome position (GRCh38, 1-based): chrX:136,659,060, G>A. VCF-style: chrX-136659060-G-A. GRCh37 (hg19) VCF-style: chrX-135741219-G-A.
Other names: short protein forms G144E.
Identifiers: ClinVar variation 265075 (VCV000265075.7), dbSNP rs886039326, ClinGen allele CA10588744.

ClinVar aggregate classification (germline): Likely pathogenic. Review status: criteria provided, multiple submitters, no conflicts (2 of 4 stars). 2 submissions from 2 submitters: Likely pathogenic (2). Last evaluated 2024-03-28.

Conditions:
Hyper-IgM syndrome type 1. Also called: Immunodeficiency, X-linked, with hyper-IgM; Hyper-IgM Immunodeficiency Syndrome, Type 1; CD40 Ligand Deficiency; X-linked hyper-IgM syndrome. Identifiers: Orphanet 101088, MedGen C0398689, MONDO:0010626, OMIM 308230.

Submissions (2):

Labcorp Genetics (formerly Invitae), Labcorp
Classification: Likely pathogenic for Hyper-IgM syndrome type 1. Last evaluated: 2024-03-28. Review status: criteria provided, single submitter. Criteria: Invitae Variant Classification Sherloc (09022015). Collection method: clinical testing. Allele origin: germline.
Comment: This sequence change replaces glycine, which is neutral and non-polar, with glutamic acid, which is acidic and polar, at codon 144 of the CD40LG protein (p.Gly144Glu). This variant is not present in population databases (gnomAD no frequency). This missense change has been observed in individual(s) with clinical features of Hyper Ig M syndrome (PMID: 7717401, 15623492). ClinVar contains an entry for this variant (Variation ID: 265075). Advanced modeling of protein sequence and biophysical properties (such as structural, functional, and spatial information, amino acid conservation, physicochemical variation, residue mobility, and thermodynamic stability) performed at Invitae indicates that this missense variant is not expected to disrupt CD40LG protein function with a negative predictive value of 80%. This variant disrupts the p.Gly144 amino acid residue in CD40LG. Other variant(s) that disrupt this residue have been determined to be pathogenic (Invitae). This suggests that this residue is clinically significant, and that variants that disrupt this residue are likely to be disease-causing. In summary, the currently available evidence indicates that the variant is pathogenic, but additional data are needed to prove that conclusively. Therefore, this variant has been classified as Likely Pathogenic.

GeneDx
Classification: Likely pathogenic. Last evaluated: 2016-04-29. Review status: criteria provided, single submitter. Criteria: GeneDx Variant Classification (06012015). Collection method: clinical testing. Allele origin: germline. Affected: yes.
Comment: The G144E variant has been published previously in association with X-linked hyper-IgM (Macchi et al., 1995; Prasad et al., 2005). The variant was not observed in approximately 6,500 individuals of European and African American ancestry in the NHLBI Exome Sequencing Project, indicating it is not a common benign variant in these populations. G144E is a non-conservative amino acid substitution, which is likely to impact secondary protein structure as these residues differ in polarity, charge, size and/or other properties. This substitution occurs at a position that is conserved in mammals, and in silico analysis predicts this variant is probably damaging to the protein structure/function. Therefore, this variant is likely pathogenic.

Literature cited by the submitters: PubMed 7717401 (cited by Labcorp Genetics (formerly Invitae), Labcorp); PubMed 15623492 (cited by Labcorp Genetics (formerly Invitae), Labcorp).